The following is an entry in ClinVar:

NM_000091.5(COL4A3):c.1956_1978del (p.Pro653fs)

Genes: MFF-DT (MFF divergent transcript; minus strand), COL4A3 (collagen type IV alpha 3 chain; plus strand). Cytogenetic location: 2q36.3.
Variant type: Deletion.
Coding change: c.1956_1978del on transcript NM_000091.5 (MANE Select); coding-DNA positions 1956 to 1978, 23 bases deleted (ACCAGTTCCAGGCCCACCAGGAC).
Protein change: p.Pro653fs; shifts the reading frame from proline 653.
Molecular consequence: frameshift variant.
Genome position (GRCh38, 1-based): chr2:227,276,413-227,276,435, ACCAGTTCCAGGCCCACCAGGAC deleted; deleting any 23 consecutive bases within chr2:227,276,411-227,276,435 gives the same sequence; the c. name uses the placement nearest the transcript's 3' end. VCF-style (leftmost placement, unchanged base first): chr2-227276410-AACACCAGTTCCAGGCCCACCAGG-A. GRCh37 (hg19) VCF-style: chr2-228141126-AACACCAGTTCCAGGCCCACCAGG-A.
Other names: short protein forms P653fs.
Identifiers: ClinVar variation 947655 (VCV000947655.9), dbSNP rs2071566709, ClinGen allele CA1139657726.

ClinVar aggregate classification (germline): Pathogenic/Likely pathogenic. Review status: criteria provided, multiple submitters, no conflicts (2 of 4 stars). 3 submissions from 3 submitters: Pathogenic (2); Likely pathogenic (1). Last evaluated 2025-08-29.

Conditions:
Autosomal dominant Alport syndrome (ATS3A). Also called: Alport syndrome dominant type; Renal failure and sensorineural hearing loss; ALPORT SYNDROME 3A, AUTOSOMAL DOMINANT. Identifiers: Orphanet 63, Orphanet 88918, MedGen C5882663, MONDO:0007086, OMIM 104200.
Hematuria, benign familial, 2 (BFH2). Identifiers: MedGen C5830421, MONDO:0958186, OMIM 620320.
Alport syndrome 3b, autosomal recessive. Identifiers: MedGen C5882699, MONDO:0957811, OMIM 620536.
Hematuria. Identifiers: MedGen C0018965, HP:0000790.

Submissions (3):

Genetics Laboratory, Great Ormond Street Hospital NHS Foundation Trust, North Thames Genomic Laboratory Hub
Classification: Pathogenic for Haematuria. Last evaluated: 2025-08-29. Review status: criteria provided, single submitter. Criteria: ACGS Best Practice Guidelines for Variant Classification in Rare Disease 2024 v1.2. Collection method: clinical testing. Allele origin: germline. Affected: yes.
Comment: PM2_moderate, PVS1_very-strong

Fulgent Genetics
Classification: Likely pathogenic for Autosomal dominant Alport syndrome; Hematuria, benign familial, 2; Alport syndrome 3b, autosomal recessive. Last evaluated: 2024-03-12. Review status: criteria provided, single submitter. Criteria: ACMG Guidelines, 2015. Collection method: clinical testing. Allele origin: germline.

Labcorp Genetics (formerly Invitae), Labcorp
Classification: Pathogenic. Last evaluated: 2022-08-09. Review status: criteria provided, single submitter. Criteria: Invitae Variant Classification Sherloc (09022015). Collection method: clinical testing. Allele origin: germline.
Comment: For these reasons, this variant has been classified as Pathogenic. Algorithms developed to predict the effect of sequence changes on RNA splicing suggest that this variant may disrupt the consensus splice site. ClinVar contains an entry for this variant (Variation ID: 947655). This variant has not been reported in the literature in individuals affected with COL4A3-related conditions. This variant is not present in population databases (gnomAD no frequency). This sequence change creates a premature translational stop signal (p.Pro653Serfs*31) in the COL4A3 gene. It is expected to result in an absent or disrupted protein product. Loss-of-function variants in COL4A3 are known to be pathogenic (PMID: 8956999, 24854265, 26809805, 27281700).

Literature cited by the submitters: PubMed 8956999 (cited by Labcorp Genetics (formerly Invitae), Labcorp); PubMed 24854265 (cited by Labcorp Genetics (formerly Invitae), Labcorp); PubMed 26809805 (cited by Labcorp Genetics (formerly Invitae), Labcorp); PubMed 27281700 (cited by Labcorp Genetics (formerly Invitae), Labcorp).